The following is an entry in ClinVar:

NM_017780.4(CHD7):c.4285A>G (p.Ser1429Gly)

Gene: CHD7 (chromodomain helicase DNA binding protein 7; plus strand). Cytogenetic location: 8q12.2.
Variant type: single nucleotide variant.
Coding change: c.4285A>G on transcript NM_017780.4 (MANE Select); coding-DNA position 4285, A replaced by G.
Protein change: p.Ser1429Gly; replaces serine 1429 with glycine.
Molecular consequence: missense variant. On other transcripts: intron variant (1).
Genome position (GRCh38, 1-based): chr8:60,837,767, A>G. VCF-style: chr8-60837767-A-G. GRCh37 (hg19) VCF-style: chr8-61750326-A-G.
Other names: c.1717-24462A>G (NM_001316690.1); short protein forms S1429G.
Identifiers: ClinVar variation 3893611 (VCV003893611.1).

ClinVar aggregate classification (germline): Uncertain significance (1 of 4 stars; one submission).

gnomAD v4.1: 1 of 1,613,750 alleles (0.000062%); highest among the groups gnomAD compares: Non-Finnish European, 0.000085%; no homozygotes.

Submission:

GeneDx
Classification: Uncertain significance. Last evaluated: 2024-10-25. Review status: criteria provided, single submitter. Criteria: GeneDx Variant Classification Process June 2021. Collection method: clinical testing. Allele origin: germline. Affected: yes.
Comment: Not observed at significant frequency in large population cohorts (gnomAD); In silico analysis supports that this missense variant has a deleterious effect on protein structure/function; Has not been previously published as pathogenic or benign to our knowledge